The following is an entry in ClinVar:

NM_001807.6(CEL):c.1501G>C (p.Asp501His)

Gene: CEL (carboxyl ester lipase; plus strand). Cytogenetic location: 9q34.13.
Variant type: single nucleotide variant.
Coding change: c.1501G>C on transcript NM_001807.6 (MANE Select); coding-DNA position 1501, G replaced by C.
Protein change: p.Asp501His; replaces aspartic acid 501 with histidine.
Molecular consequence: missense variant.
Genome position (GRCh38, 1-based): chr9:133,071,003, G>C. VCF-style: chr9-133071003-G-C. GRCh37 (hg19) VCF-style: chr9-135946390-G-C.
Other names: short protein forms D501H.
Identifiers: ClinVar variation 1287937 (VCV001287937.33), dbSNP rs202171778, ClinGen allele CA5303423.
Genomic context (GRCh38, chr9:133,071,003, plus strand): 5'-CCTGGGAGTCCCCAGCCCCTGCACAGCCTCTTCTCACTCTGCAGGGACCCCAACATGGGC[G>C]ACTCGGCTGTGCCCACACACTGGGAACCCTACACTACGGAAAACAGCGGCTACCTGGAGA-3'
Protein context (NP_001798.3, residues 491-511): FAKTGDPNMG[Asp501His]SAVPTHWEPY

ClinVar aggregate classification (germline): Benign. Review status: criteria provided, multiple submitters, no conflicts (2 of 4 stars). 3 submissions from 3 submitters: Benign (3). Last evaluated 2026-10-01.

gnomAD v4.1: 5,674 of 1,598,710 alleles (0.35%); highest among the groups gnomAD compares: African/African-American, 0.32%; 73 homozygotes.

Submissions (3):

CeGaT Center for Human Genetics Tuebingen
Classification: Benign. Last evaluated: 2026-10-01. Review status: criteria provided, single submitter. Criteria: CeGaT Center For Human Genetics Tuebingen Variant Classification Criteria Version 2. Collection method: clinical testing. Allele origin: germline. Affected: yes. Observed: 7 variant alleles.
Comment: CEL: BP4, BS1, BS2

GeneDx
Classification: Benign. Last evaluated: 2019-05-20. Review status: criteria provided, single submitter. Criteria: GeneDx Variant Classification Process June 2021. Collection method: clinical testing. Allele origin: germline. Affected: yes.

Breakthrough Genomics
Classification: Benign. Review status: criteria provided, single submitter. Criteria: ACMG Guidelines, 2015. Collection method: not provided. Allele origin: germline. Inheritance: Autosomal dominant inheritance. Affected: yes.